The following is an entry in ClinVar:

ClinVar aggregate classification (germline): Uncertain significance. Review status: criteria provided, multiple submitters, no conflicts (2 of 4 stars). 2 submissions from 2 submitters: Uncertain significance (2). Last evaluated 2024-12-16.

Conditions:
Inborn genetic diseases. Identifiers: MedGen C0950123, MeSH D030342.

Allele frequency attached by ClinVar (database versions not stated): TOPMed below 0.00001; gnomAD 0.00001.
gnomAD v4.1: 7 of 1,613,512 alleles (0.00043%); highest among the groups gnomAD compares: East Asian, 0.016%; no homozygotes.

Submissions (2):

Ambry Genetics
Classification: Uncertain significance for Inborn genetic diseases. Last evaluated: 2024-12-16. Review status: criteria provided, single submitter. Criteria: Ambry Variant Classification Scheme 2023. Collection method: clinical testing. Allele origin: germline.
Comment: The p.D1121H variant (also known as c.3361G>C), located in coding exon 1 of the SAMD9L gene, results from a G to C substitution at nucleotide position 3361. The aspartic acid at codon 1121 is replaced by histidine, an amino acid with similar properties. This amino acid position is conserved. In addition, the in silico prediction for this alteration is inconclusive. Based on the available evidence, the clinical significance of this variant remains unclear.

GeneDx
Classification: Uncertain significance. Last evaluated: 2022-09-08. Review status: criteria provided, single submitter. Criteria: GeneDx Variant Classification Process June 2021. Collection method: clinical testing. Allele origin: germline. Affected: yes.
Comment: Not observed at significant frequency in large population cohorts (gnomAD); In silico analysis supports that this missense variant has a deleterious effect on protein structure/function; Has not been previously published as pathogenic or benign to our knowledge; This variant is associated with the following publications: (PMID: 28545555)

NM_152703.5(SAMD9L):c.3361G>C (p.Asp1121His)

Gene: SAMD9L (sterile alpha motif domain containing 9 like; minus strand). Cytogenetic location: 7q21.2.
Variant type: single nucleotide variant.
Coding change: c.3361G>C on transcript NM_152703.5 (MANE Select); coding-DNA position 3361, G replaced by C.
Protein change: p.Asp1121His; replaces aspartic acid 1121 with histidine.
Molecular consequence: missense variant.
Genome position (GRCh38, 1-based): chr7:93,132,611, C>G on the plus strand (G>C on the coding strand, the complement: SAMD9L is on the minus strand). VCF-style: chr7-93132611-C-G. GRCh37 (hg19) VCF-style: chr7-92761924-C-G.
Other names: c.3361G>C, p.Asp1121His (NM_001303496.3, NM_001303497.3, NM_001303498.3 and 5 more transcripts); c.3361G>C (NM_152703.2); short protein forms D1121H.
Identifiers: ClinVar variation 2443565 (VCV002443565.2), dbSNP rs1304801235, ClinGen allele CA368183144.